The following is an entry in ClinVar:

ClinVar aggregate classification (germline): Likely benign (1 of 4 stars; one submission).

Allele frequency attached by ClinVar (database versions not stated): TOPMed below 0.00001; ExAC 0.00001; gnomAD 0.00001; gnomAD exomes 0.00004.
gnomAD v4.1: 58 of 1,613,716 alleles (0.0036%); highest among the groups gnomAD compares: Non-Finnish European, 0.0047%; no homozygotes.

Submission:

CeGaT Center for Human Genetics Tuebingen
Classification: Likely benign. Last evaluated: 2023-10-01. Review status: criteria provided, single submitter. Criteria: CeGaT Center For Human Genetics Tuebingen Variant Classification Criteria Version 2. Collection method: clinical testing. Allele origin: germline. Affected: yes. Observed: 1 variant allele.
Comment: ZNF462: BP4, BP7

NM_021224.6(ZNF462):c.7149G>A (p.Glu2383=)

Genes: ZNF462 (zinc finger protein 462; plus strand), LOC340512 (uncharacterized LOC340512; minus strand). Cytogenetic location: 9q31.2.
Variant type: single nucleotide variant.
Coding change: c.7149G>A on transcript NM_021224.6 (MANE Select); coding-DNA position 7149, G replaced by A.
Protein change: p.Glu2383=; no amino-acid change (glutamic acid 2383 retained).
Molecular consequence: synonymous variant.
Genome position (GRCh38, 1-based): chr9:107,003,386, G>A. VCF-style: chr9-107003386-G-A. GRCh37 (hg19) VCF-style: chr9-109765667-G-A.
Other names: c.4554G>A, p.Glu1518= (NM_001347997.2).
Identifiers: ClinVar variation 2659405 (VCV002659405.24), dbSNP rs764048214, ClinGen allele CA5172423.
Genomic context (GRCh38, chr9:107,003,386, plus strand): 5'-TAACTTGGATCAGCTGGAACAGATGAAGGAGAAAATGGAGAGCTCCAGCAGCGATGATGA[G>A]GACAAGGAAGAAGAAATGAACAGCAAGGCTGAAGACAGAGGTTAGTCTCATCCTGCCCTC-3'
Protein context (NP_067047.4, residues 2373-2393): EKMESSSSDD[Glu2383=]DKEEEMNSKA